The following is an entry in ClinVar:

NM_016247.4(IMPG2):c.1544-2A>C

Gene: IMPG2 (interphotoreceptor matrix proteoglycan 2; minus strand). Cytogenetic location: 3q12.3.
Variant type: single nucleotide variant.
Coding change: c.1544-2A>C on transcript NM_016247.4 (MANE Select); the canonical splice acceptor site of the intron before coding-DNA position 1544, A replaced by C.
Molecular consequence: splice acceptor variant.
Genome position (GRCh38, 1-based): chr3:101,244,789, T>G on the plus strand (A>C on the coding strand, the complement: IMPG2 is on the minus strand). VCF-style: chr3-101244789-T-G. GRCh37 (hg19) VCF-style: chr3-100963633-T-G.
Identifiers: ClinVar variation 4888237 (VCV004888237.1).

ClinVar aggregate classification (germline): Pathogenic (1 of 4 stars; one submission).

Conditions:
Retinitis pigmentosa 56 (RP56). Identifiers: Orphanet 791, MedGen C3150819, MONDO:0013314, OMIM 613581.

gnomAD v4.1: 4 of 1,612,888 alleles (0.00025%); highest among the groups gnomAD compares: South Asian, 0.0044%; no homozygotes.

Submission:

Genelabs Medical  (pvt) Ltd
Classification: Pathogenic for Retinitis pigmentosa 56. Last evaluated: 2026-08-03. Review status: criteria provided, single submitter. Criteria: ACMG Guidelines, 2015. Collection method: clinical testing. Allele origin: germline. Inheritance: Autosomal recessive inheritance. Affected: no. Observed: 1 heterozygote.
Comment: The splice-site variant NM_016247.4(IMPG2):c.1544-2A>C is rare in population databases, observed in gnomAD in 4/91,028 alleles (allele frequency 0.00004394) in the South Asian population. This variant affects the canonical splice acceptor site preceding exon 13 of the IMPG2 gene and is predicted to result in exon skipping that disrupts the reading frame. The resulting transcript is predicted to undergo nonsense-mediated decay, leading to loss of functional IMPG2 protein. IMPG2 has a definitive gene–disease association with IMPG2-related recessive retinopathy, and loss of function is the established disease mechanism. Although monoallelic loss-of-function variants have also been associated with vitelliform macular dystrophy, biallelic loss of function causes recessive retinopathy. Consistent with this mechanism, 131 pathogenic or likely pathogenic loss-of-function variants have been reported in IMPG2, including 61 pathogenic or likely pathogenic truncating variants downstream of this position, indicating that truncating variants in this region are pathogenic. Based on the cumulative evidence, this variant is classified as Likely Pathogenic. (PVS1, PM2_Supporting)